The following is an entry in ClinVar:

ClinVar aggregate classification (germline): Uncertain significance (1 of 4 stars; one submission).

Conditions:
PHGDH deficiency. Identifiers: Orphanet 79351, MedGen C1866174, MONDO:0011152, OMIM 601815.

Allele frequency attached by ClinVar (database versions not stated): gnomAD exomes below 0.00001; TOPMed below 0.00001; gnomAD 0.00001.
gnomAD v4.1: 4 of 1,614,062 alleles (0.00025%); highest among the groups gnomAD compares: African/African-American, 0.004%; no homozygotes.

Submission:

Labcorp Genetics (formerly Invitae), Labcorp
Classification: Uncertain significance for PHGDH deficiency. Last evaluated: 2022-08-21. Review status: criteria provided, single submitter. Criteria: Invitae Variant Classification Sherloc (09022015). Collection method: clinical testing. Allele origin: germline.
Comment: This sequence change replaces aspartic acid, which is acidic and polar, with tyrosine, which is neutral and polar, at codon 84 of the PHGDH protein (p.Asp84Tyr). This variant is not present in population databases (gnomAD no frequency). This variant has not been reported in the literature in individuals affected with PHGDH-related conditions. Algorithms developed to predict the effect of missense changes on protein structure and function are either unavailable or do not agree on the potential impact of this missense change (SIFT: "Deleterious"; PolyPhen-2: "Probably Damaging"; Align-GVGD: "Class C15"). In summary, the available evidence is currently insufficient to determine the role of this variant in disease. Therefore, it has been classified as a Variant of Uncertain Significance.

NM_006623.4(PHGDH):c.250G>T (p.Asp84Tyr)

Gene: PHGDH (phosphoglycerate dehydrogenase; plus strand). Cytogenetic location: 1p12.
Variant type: single nucleotide variant.
Coding change: c.250G>T on transcript NM_006623.4 (MANE Select); coding-DNA position 250, G replaced by T.
Protein change: p.Asp84Tyr; replaces aspartic acid 84 with tyrosine.
Molecular consequence: missense variant.
Genome position (GRCh38, 1-based): chr1:119,721,281, G>T. VCF-style: chr1-119721281-G-T. GRCh37 (hg19) VCF-style: chr1-120263904-G-T.
Other names: short protein forms D84Y.
Identifiers: ClinVar variation 2015735 (VCV002015735.1), dbSNP rs1485473700, ClinGen allele CA341847271.